The following is an entry in ClinVar:

ClinVar aggregate classification (germline): Conflicting classifications of pathogenicity. Review status: criteria provided, conflicting classifications (1 of 4 stars). 2 submissions from 2 submitters: Uncertain significance (1); Benign (1). Last evaluated 2025-03-06.

Conditions:
Cardiovascular phenotype. Identifiers: MedGen CN230736.
Long QT syndrome (LQTS). Identifiers: MedGen C0023976, MeSH D008133, MONDO:0002442. Disease mechanism: loss of function. Inheritance: Various modes of inheritance.

Allele frequency attached by ClinVar (database versions not stated): ExAC 0.00002.
gnomAD v4.1: 10 of 1,614,102 alleles (0.00062%); highest among the groups gnomAD compares: South Asian, 0.011%; no homozygotes.

Submissions (2):

Ambry Genetics
Classification: Benign for Cardiovascular phenotype. Last evaluated: 2025-03-06. Review status: criteria provided, single submitter. Criteria: Ambry Variant Classification Scheme 2023. Collection method: clinical testing. Allele origin: germline.

Labcorp Genetics (formerly Invitae), Labcorp
Classification: Uncertain significance for Long QT syndrome. Last evaluated: 2022-03-08. Review status: criteria provided, single submitter. Criteria: Invitae Variant Classification Sherloc (09022015). Collection method: clinical testing. Allele origin: germline.
Comment: In summary, the available evidence is currently insufficient to determine the role of this variant in disease. Therefore, it has been classified as a Variant of Uncertain Significance. Algorithms developed to predict the effect of missense changes on protein structure and function are either unavailable or do not agree on the potential impact of this missense change (SIFT: "Tolerated"; PolyPhen-2: "Possibly Damaging"; Align-GVGD: "Class C0"). This variant has not been reported in the literature in individuals affected with AKAP9-related conditions. This variant is present in population databases (rs755110736, gnomAD 0.01%). This sequence change replaces histidine, which is basic and polar, with arginine, which is basic and polar, at codon 3598 of the AKAP9 protein (p.His3598Arg).

NM_005751.5(AKAP9):c.10793A>G (p.His3598Arg)

Gene: AKAP9 (A-kinase anchoring protein 9; plus strand). Cytogenetic location: 7q21.2.
Variant type: single nucleotide variant.
Coding change: c.10793A>G on transcript NM_005751.5 (MANE Select); coding-DNA position 10793, A replaced by G.
Protein change: p.His3598Arg; replaces histidine 3598 with arginine.
Molecular consequence: missense variant.
Genome position (GRCh38, 1-based): chr7:92,099,766, A>G. VCF-style: chr7-92099766-A-G. GRCh37 (hg19) VCF-style: chr7-91729080-A-G.
Other names: c.5438A>G, p.His1813Arg (NM_001379277.1); c.10769A>G, p.His3590Arg (NM_147185.3); short protein forms H1813R, H3590R, H3598R.
Identifiers: ClinVar variation 2195966 (VCV002195966.5), dbSNP rs755110736, ClinGen allele CA4338026.
Genomic context (GRCh38, chr7:92,099,766, plus strand): 5'-GTACTTCTTGTGGCTCATTGACTGAAAGACTACTGAGACAAAATGCTGAGCTGACAGGGC[A>G]TATCAGTCAACTGACTGAAGAGAAGAATGACTTAAGGAACATGGTTATGAAGCTGGAAGA-3'
Protein context (NP_005742.4, residues 3588-3608): LLRQNAELTG[His3598Arg]ISQLTEEKND